The following is an entry in ClinVar:

ClinVar aggregate classification (germline): Likely pathogenic (1 of 4 stars; one submission).

Conditions:
SLC4A11-related disorder. Also called: SLC4A11-related condition.

Submission:

PreventionGenetics, part of Exact Sciences
Classification: Likely pathogenic for SLC4A11-related condition. Last evaluated: 2025-12-11. Review status: criteria provided, single submitter. Criteria: ACMG Guidelines, 2015. Collection method: clinical testing. Allele origin: germline.
Comment: The SLC4A11 c.601dupG variant is predicted to result in a frameshift and premature protein termination (p.Val201Glyfs*46). To our knowledge, this variant has not been reported in the literature. This variant is absent in a large population database (gnomAD), indicating this variant is rare. Frameshift variants in SLC4A11 are an established mechanism of disease. This variant is interpreted as likely pathogenic.

NM_001174089.2(SLC4A11):c.553dup (p.Val185fs)

Gene: SLC4A11 (solute carrier family 4 member 11; minus strand). Cytogenetic location: 20p13.
Variant type: Duplication.
Coding change: c.553dup on transcript NM_001174089.2 (MANE Select); coding-DNA position 553, one base duplicated (G; older notation c.553dupG).
Protein change: p.Val185fs; shifts the reading frame from valine 185.
Molecular consequence: frameshift variant. On other transcripts: non-coding transcript variant (3).
Genome position (GRCh38, 1-based): chr20:3,233,973, C duplicated on the plus strand (G on the coding strand, the reverse complement: SLC4A11 is on the minus strand); the first of 4 consecutive C bases (chr20:3,233,973-3,233,976); duplicating any one gives the same sequence. VCF-style (leftmost placement, unchanged base first): chr20-3233972-A-AC. GRCh37 (hg19) VCF-style: chr20-3214618-A-AC.
Other names: c.682dup, p.Val228fs (NM_001174090.2, NM_001400280.1); c.553dup, p.Val185fs (NM_001363745.2); c.496dup, p.Val166fs (NM_001400277.1, NM_001400278.1, NM_001400279.1); c.601dup, p.Val201fs (NM_032034.4); short protein forms V166fs, V228fs, V201fs, V185fs.
Identifiers: ClinVar variation 4995921 (VCV004995921.1).